The following is an entry in ClinVar:

ClinVar aggregate classification (germline): Uncertain significance (1 of 4 stars; one submission).

Allele frequency attached by ClinVar (database versions not stated): gnomAD exomes below 0.00001.
gnomAD v4.1: 1 of 1,211,534 alleles (0.000083%); highest among the groups gnomAD compares: Non-Finnish European, 0.00011%; no homozygotes.

Submission:

CeGaT Center for Human Genetics Tuebingen
Classification: Uncertain significance. Last evaluated: 2023-08-01. Review status: criteria provided, single submitter. Criteria: CeGaT Center For Human Genetics Tuebingen Variant Classification Criteria Version 2. Collection method: clinical testing. Allele origin: germline. Affected: yes. Observed: 1 variant allele.
Comment: FGD1: PM2, PP2

NM_004463.3(FGD1):c.2330G>A (p.Arg777His)

Gene: FGD1 (FYVE, RhoGEF and PH domain containing 1; minus strand). Cytogenetic location: Xp11.22.
Variant type: single nucleotide variant.
Coding change: c.2330G>A on transcript NM_004463.3 (MANE Select); coding-DNA position 2330, G replaced by A.
Protein change: p.Arg777His; replaces arginine 777 with histidine.
Molecular consequence: missense variant.
Genome position (GRCh38, 1-based): chrX:54,448,912, C>T on the plus strand (G>A on the coding strand, the complement: FGD1 is on the minus strand). VCF-style: chrX-54448912-C-T. GRCh37 (hg19) VCF-style: chrX-54475345-C-T.
Other names: short protein forms R777H.
Identifiers: ClinVar variation 2660665 (VCV002660665.24), dbSNP rs2522691531, ClinGen allele CA413358945.